The following is an entry in ClinVar:

ClinVar aggregate classification (germline): Uncertain significance (1 of 4 stars; one submission).

Submission:

GeneDx
Classification: Uncertain significance. Last evaluated: 2026-02-19. Review status: criteria provided, single submitter. Criteria: GeneDx Variant Classification Process June 2021. Collection method: clinical testing. Allele origin: germline.
Comment: Not observed at significant frequency in large population cohorts (gnomAD); In silico analysis supports that this missense variant has a deleterious effect on protein structure/function; Has not been previously published as pathogenic or benign to our knowledge

NM_001080421.3(UNC13A):c.3803A>T (p.Lys1268Met)

Gene: UNC13A (unc-13 homolog A; minus strand). Cytogenetic location: 19p13.11.
Variant type: single nucleotide variant.
Coding change: c.3803A>T on transcript NM_001080421.3 (MANE Select); coding-DNA position 3803, A replaced by T.
Protein change: p.Lys1268Met; replaces lysine 1268 with methionine.
Molecular consequence: missense variant.
Genome position (GRCh38, 1-based): chr19:17,627,891, T>A on the plus strand (A>T on the coding strand, the complement: UNC13A is on the minus strand). VCF-style: chr19-17627891-T-A. GRCh37 (hg19) VCF-style: chr19-17738700-T-A.
Other names: c.3797A>T, p.Lys1266Met (NM_001387021.1, NM_001387023.1); c.3794A>T, p.Lys1265Met (NM_001387022.1); short protein forms K1268M, K1266M, K1265M.
Identifiers: ClinVar variation 5009655 (VCV005009655.1).